The following is an entry in ClinVar:

ClinVar aggregate classification (germline): Likely pathogenic (1 of 4 stars; one submission).

Conditions:
Autosomal recessive limb-girdle muscular dystrophy type 2J (LGMDR10). Also called: Limb-girdle muscular dystrophy, type 2J; MUSCULAR DYSTROPHY, LIMB-GIRDLE, AUTOSOMAL RECESSIVE 10. Identifiers: Orphanet 140922, MedGen C1837342, MONDO:0012127, OMIM 608807.
Dilated cardiomyopathy 1G (CMD1G). Identifiers: Orphanet 154, MedGen C1858763, MONDO:0011400, OMIM 604145.

Submission:

Labcorp Genetics (formerly Invitae), Labcorp
Classification: Likely pathogenic for Dilated cardiomyopathy 1G; Autosomal recessive limb-girdle muscular dystrophy type 2J. Last evaluated: 2024-09-01. Review status: criteria provided, single submitter. Criteria: Invitae Variant Classification Sherloc (09022015). Collection method: clinical testing. Allele origin: germline.
Comment: This sequence change creates a premature translational stop signal (p.Arg872Lysfs*14) in the TTN gene. While this is not anticipated to result in nonsense mediated decay, it is expected to create a truncated TTN protein. This variant is not present in population databases (gnomAD no frequency). This variant has not been reported in the literature in individuals affected with TTN-related conditions. This variant is located in the Z band of TTN (PMID: 25589632). Truncating variants in this region have been reported in individuals affected with autosomal recessive centronuclear myopathy (PMID: 33449170, internal data). Truncating variants in this region have also been identified in individuals affected with autosomal dominant dilated cardiomyopathy and/or cardio-related conditions (PMID: 27869827, 32964742, internal data). In summary, the currently available evidence indicates that the variant is pathogenic, but additional data are needed to prove that conclusively. Therefore, this variant has been classified as Likely Pathogenic.

Literature cited by the submitters: PubMed 25589632; PubMed 33449170; PubMed 27869827; PubMed 32964742.

NM_001267550.2(TTN):c.2612dup (p.Arg872fs)

Gene: TTN (titin; minus strand). Cytogenetic location: 2q31.2.
Variant type: Duplication.
Coding change: c.2612dup on transcript NM_001267550.2 (MANE Select); coding-DNA position 2612, one base duplicated (T; older notation c.2612dupT).
Protein change: p.Arg872fs; shifts the reading frame from arginine 872.
Molecular consequence: frameshift variant.
Genome position (GRCh38, 1-based): chr2:178,784,233, A duplicated on the plus strand (T on the coding strand, the reverse complement: TTN is on the minus strand). VCF-style (leftmost placement, unchanged base first): chr2-178784232-T-TA. GRCh37 (hg19) VCF-style: chr2-179648959-T-TA.
Other names: c.2612dup, p.Arg872fs (NM_001256850.1, NM_133378.4, NM_133379.5); c.2474dup, p.Arg826fs (NM_003319.4, NM_133432.3, NM_133437.4); short protein forms R826fs, R872fs.
Identifiers: ClinVar variation 3763887 (VCV003763887.2).
Genomic context (GRCh38, chr2:178,784,232, plus strand): 5'-CTTGTAAGTATCTGGTGTGTCAGCGAAGGGGAACTGTGGCAAGGGTGTGGGCTCTGCCCT[T>TA]ACTCTAGTCTCACTGGGCTTCACAGTAGGAGCCTTCACCGATTTGGTGATCTTCTGAGCA-3'